The following is an entry in ClinVar:

ClinVar aggregate classification (germline): Uncertain significance. Review status: criteria provided, multiple submitters, no conflicts (2 of 4 stars). 3 submissions from 3 submitters: Uncertain significance (3). Last evaluated 2025-08-22.

Conditions:
Inborn genetic diseases. Identifiers: MedGen C0950123, MeSH D030342.
Short-rib thoracic dysplasia 6 with or without polydactyly (SRTD6). Also called: POLYDACTYLY WITH NEONATAL CHONDRODYSTROPHY, TYPE II; SHORT-RIB THORACIC DYSPLASIA 6 WITH POLYDACTYLY; Majewski Syndrome; SHORT-RIB THORACIC DYSPLASIA 6 WITHOUT POLYDACTYLY; SHORT RIB-POLYDACTYLY SYNDROME, TYPE IIA. Identifiers: MedGen C0024507, MONDO:0009894, OMIM 263520.
NEK1-related disorder. Also called: NEK1-related condition.

Allele frequency attached by ClinVar (database versions not stated): ExAC 0.00002; gnomAD 0.00003; TOPMed 0.00005; gnomAD exomes 0.00008.
gnomAD v4.1: 122 of 1,609,188 alleles (0.0076%); highest among the groups gnomAD compares: Non-Finnish European, 0.01%; no homozygotes.

Submissions (3):

Labcorp Genetics (formerly Invitae), Labcorp
Classification: Uncertain significance for Short-rib thoracic dysplasia 6 with or without polydactyly. Last evaluated: 2025-08-22. Review status: criteria provided, single submitter. Criteria: Invitae Variant Classification Sherloc (09022015). Collection method: clinical testing. Allele origin: germline.
Comment: This sequence change replaces lysine, which is basic and polar, with glutamic acid, which is acidic and polar, at codon 813 of the NEK1 protein (p.Lys813Glu). This variant is present in population databases (rs755436817, gnomAD 0.006%). This variant has not been reported in the literature in individuals affected with NEK1-related conditions. ClinVar contains an entry for this variant (Variation ID: 2636619). Invitae Evidence Modeling of protein sequence and biophysical properties (such as structural, functional, and spatial information, amino acid conservation, physicochemical variation, residue mobility, and thermodynamic stability) has been performed for this missense variant. However, the output from this modeling did not meet the statistical confidence thresholds required to predict the impact of this variant on NEK1 protein function. In summary, the available evidence is currently insufficient to determine the role of this variant in disease. Therefore, it has been classified as a Variant of Uncertain Significance.

Ambry Genetics
Classification: Uncertain significance for Inborn genetic diseases. Last evaluated: 2024-11-10. Review status: criteria provided, single submitter. Criteria: Ambry Variant Classification Scheme 2023. Collection method: clinical testing. Allele origin: germline.

PreventionGenetics, part of Exact Sciences
Classification: Uncertain significance for NEK1-related condition. Last evaluated: 2023-06-07. Review status: criteria provided, single submitter. Criteria: ACMG Guidelines, 2015. Collection method: clinical testing. Allele origin: germline.
Comment: The NEK1 c.2437A>G variant is predicted to result in the amino acid substitution p.Lys813Glu. To our knowledge, this variant has not been reported in the literature. This variant is reported in 0.0063% of alleles in individuals of European (Non-Finnish) descent in gnomAD. At this time, the clinical significance of this variant is uncertain due to the absence of conclusive functional and genetic evidence.

NM_001199397.3(NEK1):c.2521A>G (p.Lys841Glu)

Gene: NEK1 (NIMA related kinase 1; minus strand). Cytogenetic location: 4q33.
Variant type: single nucleotide variant.
Coding change: c.2521A>G on transcript NM_001199397.3 (MANE Select); coding-DNA position 2521, A replaced by G.
Protein change: p.Lys841Glu; replaces lysine 841 with glutamic acid.
Molecular consequence: missense variant. On other transcripts: non-coding transcript variant (1).
Genome position (GRCh38, 1-based): chr4:169,463,309, T>C on the plus strand (A>G on the coding strand, the complement: NEK1 is on the minus strand). VCF-style: chr4-169463309-T-C. GRCh37 (hg19) VCF-style: chr4-170384460-T-C.
Other names: c.2389A>G, p.Lys797Glu (NM_001199398.3); c.2230A>G, p.Lys744Glu (NM_001199399.3); c.2305A>G, p.Lys769Glu (NM_001199400.3); c.2521A>G, p.Lys841Glu (NM_001374418.1); c.2437A>G, p.Lys813Glu (NM_001374419.1, NM_012224.4); c.2386A>G, p.Lys796Glu (NM_001374420.1); c.2215A>G, p.Lys739Glu (NM_001374421.1); short protein forms K739E, K744E, K769E, K796E, K797E, K813E, K841E.
Identifiers: ClinVar variation 2636619 (VCV002636619.4), dbSNP rs755436817, ClinGen allele CA3137388.
Genomic context (GRCh38, chr4:169,463,309, plus strand): 5'-TAATAGTTGTATTTTCTAATAGTTCTGTCTGAAGTTGTAGTTCAGCTTCTCCAAGTATCT[T>C]TAGAACAGAATCTGTCGGACTTTTCCCCCAGGCTCTTCTTGGAGATCCATTAGGACCTAA-3'
Protein context (NP_001186326.1, residues 831-851): WGKSPTDSVL[Lys841Glu]ILGEAELQLQ